The following is an entry in ClinVar:

ClinVar aggregate classification (germline): Uncertain significance (1 of 4 stars; one submission).

gnomAD v4.1: 1 of 1,571,798 alleles (0.000064%); highest among the groups gnomAD compares: Non-Finnish European, 0.000086%; no homozygotes.

Submission:

Labcorp Genetics (formerly Invitae), Labcorp
Classification: Uncertain significance. Last evaluated: 2022-06-20. Review status: criteria provided, single submitter. Criteria: Invitae Variant Classification Sherloc (09022015). Collection method: clinical testing. Allele origin: germline.
Comment: This sequence change replaces proline, which is neutral and non-polar, with leucine, which is neutral and non-polar, at codon 59 of the LONP1 protein (p.Pro59Leu). This variant is not present in population databases (gnomAD no frequency). This variant has not been reported in the literature in individuals affected with LONP1-related conditions. Algorithms developed to predict the effect of missense changes on protein structure and function (SIFT, PolyPhen-2, Align-GVGD) all suggest that this variant is likely to be tolerated. In summary, the available evidence is currently insufficient to determine the role of this variant in disease. Therefore, it has been classified as a Variant of Uncertain Significance.

NM_004793.4(LONP1):c.176C>T (p.Pro59Leu)

Gene: LONP1 (lon peptidase 1, mitochondrial; minus strand). Cytogenetic location: 19p13.3.
Variant type: single nucleotide variant.
Coding change: c.176C>T on transcript NM_004793.4 (MANE Select); coding-DNA position 176, C replaced by T.
Protein change: p.Pro59Leu; replaces proline 59 with leucine.
Molecular consequence: missense variant. On other transcripts: intron variant (2).
Genome position (GRCh38, 1-based): chr19:5,719,957, G>A on the plus strand (C>T on the coding strand, the complement: LONP1 is on the minus strand). VCF-style: chr19-5719957-G-A. GRCh37 (hg19) VCF-style: chr19-5719968-G-A.
Other names: c.-160+262C>T (NM_001276480.1); c.124+52C>T (NM_001276479.2); short protein forms P59L.
Identifiers: ClinVar variation 1926799 (VCV001926799.2), dbSNP rs554472632, ClinGen allele CA9115219.